The following is an entry in ClinVar:

NM_001458.5(FLNC):c.5537C>T (p.Pro1846Leu)

Genes: FLNC (filamin C; plus strand), FLNC-AS1 (FLNC antisense RNA 1; minus strand). Cytogenetic location: 7q32.1.
Variant type: single nucleotide variant.
Coding change: c.5537C>T on transcript NM_001458.5 (MANE Select); coding-DNA position 5537, C replaced by T.
Protein change: p.Pro1846Leu; replaces proline 1846 with leucine.
Molecular consequence: missense variant.
Genome position (GRCh38, 1-based): chr7:128,850,941, C>T. VCF-style: chr7-128850941-C-T. GRCh37 (hg19) VCF-style: chr7-128490995-C-T.
Other names: c.5438C>T, p.Pro1813Leu (NM_001127487.2); short protein forms P1846L, P1813L.
Identifiers: ClinVar variation 472105 (VCV000472105.17), dbSNP rs1408298919, ClinGen allele CA369207098.
Genomic context (GRCh38, chr7:128,850,941, plus strand): 5'-ATGCACCCACTGAGAAAGGCCTGCACCAGATGGGGATCAAGTATGACGGCAACCACATCC[C>T]TGGTGAGTTAGGGGCTGGGCTGGGCTGGGGCTTGGGTGAGAGGAGCAGGCCGTAGCTTCA-3'
Protein context (NP_001449.3, residues 1836-1856): MGIKYDGNHI[Pro1846Leu]GSPLQFYVDA

ClinVar aggregate classification (germline): Uncertain significance. Review status: criteria provided, multiple submitters, no conflicts (2 of 4 stars). 4 submissions from 4 submitters: Uncertain significance (4). Last evaluated 2024-12-31.

Conditions:
Myofibrillar myopathy 5. Also called: FILAMINOPATHY, AUTOSOMAL DOMINANT; Filaminopathy (type). Identifiers: Orphanet 171445, MedGen C1836050, MONDO:0012289, OMIM 609524.
Distal myopathy with posterior leg and anterior hand involvement. Also called: WILLIAMS DISTAL MYOPATHY. Identifiers: Orphanet 63273, MedGen C3279722, MONDO:0013550, OMIM 614065.
Dilated Cardiomyopathy, Dominant.
Hypertrophic cardiomyopathy 26. Also called: Cardiomyopathy, familial hypertrophic, 26. Identifiers: Orphanet 75249, MedGen C4310749, MONDO:0014883, OMIM 617047.
Cardiovascular phenotype. Identifiers: MedGen CN230736.

Allele frequency attached by ClinVar (database versions not stated): gnomAD exomes below 0.00001; TOPMed 0.00001.
gnomAD v4.1: 3 of 1,613,028 alleles (0.00019%); highest among the groups gnomAD compares: Non-Finnish European, 0.00025%; no homozygotes.

Submissions (4):

Ambry Genetics
Classification: Uncertain significance for Cardiovascular phenotype. Last evaluated: 2024-12-31. Review status: criteria provided, single submitter. Criteria: Ambry Variant Classification Scheme 2023. Collection method: clinical testing. Allele origin: germline.
Comment: The p.P1846L variant (also known as c.5537C>T), located in coding exon 33 of the FLNC gene, results from a C to T substitution at nucleotide position 5537. The proline at codon 1846 is replaced by leucine, an amino acid with similar properties. This amino acid position is conserved. In addition, this alteration is predicted to be deleterious by in silico analysis. Since supporting evidence is limited at this time, the clinical significance of this alteration remains unclear.

Labcorp Genetics (formerly Invitae), Labcorp
Classification: Uncertain significance for Distal myopathy with posterior leg and anterior hand involvement; Myofibrillar myopathy 5; Hypertrophic cardiomyopathy 26. Last evaluated: 2024-12-12. Review status: criteria provided, single submitter. Criteria: Invitae Variant Classification Sherloc (09022015). Collection method: clinical testing. Allele origin: germline.
Comment: This sequence change replaces proline, which is neutral and non-polar, with leucine, which is neutral and non-polar, at codon 1846 of the FLNC protein (p.Pro1846Leu). This variant is not present in population databases (gnomAD no frequency). This missense change has been observed in individual(s) with clinical features of FLNC-related conditions (internal data). ClinVar contains an entry for this variant (Variation ID: 472105). An algorithm developed to predict the effect of missense changes on protein structure and function (PolyPhen-2) suggests that this variant is likely to be disruptive. In summary, the available evidence is currently insufficient to determine the role of this variant in disease. Therefore, it has been classified as a Variant of Uncertain Significance.

Blueprint Genetics
Classification: Uncertain significance. Last evaluated: 2023-10-19. Review status: criteria provided, single submitter. Criteria: ACMG Guidelines, 2015. Collection method: clinical testing. Allele origin: germline.

Revvity Omics, Revvity
Classification: Uncertain significance. Last evaluated: 2020-11-18. Review status: criteria provided, single submitter. Criteria: ACMG Guidelines, 2015. Collection method: clinical testing. Allele origin: germline.